The following is an entry in ClinVar:

ClinVar aggregate classification (germline): Conflicting classifications of pathogenicity. Review status: criteria provided, conflicting classifications (1 of 4 stars). 3 submissions from 3 submitters: Uncertain significance (1); Likely benign (2). Last evaluated 2025-03-15.

Conditions:
Inborn genetic diseases. Identifiers: MedGen C0950123, MeSH D030342.

Allele frequency attached by ClinVar (database versions not stated): TOPMed 0.00006; gnomAD 0.00008 and 0.00009; 1000 Genomes Project 30x 0.00031.

Submissions (3):

Labcorp Genetics (formerly Invitae), Labcorp
Classification: Uncertain significance. Last evaluated: 2025-03-15. Review status: criteria provided, single submitter. Criteria: Invitae Variant Classification Sherloc (09022015). Collection method: clinical testing. Allele origin: germline.
Comment: This sequence change replaces serine, which is neutral and polar, with alanine, which is neutral and non-polar, at codon 138 of the GRIN2D protein (p.Ser138Ala). This variant is present in population databases (no rsID available, gnomAD 0.02%). This variant has not been reported in the literature in individuals affected with GRIN2D-related conditions. ClinVar contains an entry for this variant (Variation ID: 1468304). Invitae Evidence Modeling of protein sequence and biophysical properties (such as structural, functional, and spatial information, amino acid conservation, physicochemical variation, residue mobility, and thermodynamic stability) indicates that this missense variant is not expected to disrupt GRIN2D protein function with a negative predictive value of 80%. In summary, the available evidence is currently insufficient to determine the role of this variant in disease. Therefore, it has been classified as a Variant of Uncertain Significance.

Ambry Genetics
Classification: Likely benign for Inborn genetic diseases. Last evaluated: 2024-08-26. Review status: criteria provided, single submitter. Criteria: Ambry Variant Classification Scheme 2023. Collection method: clinical testing. Allele origin: germline.

CeGaT Center for Human Genetics Tuebingen
Classification: Likely benign. Last evaluated: 2023-09-01. Review status: criteria provided, single submitter. Criteria: CeGaT Center For Human Genetics Tuebingen Variant Classification Criteria Version 2. Collection method: clinical testing. Allele origin: germline. Affected: yes. Observed: 1 variant allele.
Comment: GRIN2D: PP2, BS2

NM_000836.4(GRIN2D):c.412T>G (p.Ser138Ala)

Genes: GRIN2D (glutamate ionotropic receptor NMDA type subunit 2D; plus strand), LOC130064856 (ATAC-STARR-seq lymphoblastoid silent region 10880; plus strand). Cytogenetic location: 19q13.33.
Variant type: single nucleotide variant.
Coding change: c.412T>G on transcript NM_000836.4 (MANE Select); coding-DNA position 412, T replaced by G.
Protein change: p.Ser138Ala; replaces serine 138 with alanine.
Molecular consequence: missense variant.
Genome position (GRCh38, 1-based): chr19:48,398,804, T>G. VCF-style: chr19-48398804-T-G. GRCh37 (hg19) VCF-style: chr19-48902061-T-G.
Other names: c.412T>G (NM_000836.2); short protein forms S138A.
Identifiers: ClinVar variation 1468304 (VCV001468304.33), dbSNP rs943958169, ClinGen allele CA309325611.